The following is an entry in ClinVar:

ClinVar aggregate classification (germline): Uncertain significance (1 of 4 stars; one submission).

Submission:

Ambry Genetics
Classification: Uncertain significance. Last evaluated: 2023-11-29. Review status: criteria provided, single submitter. Criteria: Ambry Variant Classification Scheme 2023. Collection method: clinical testing. Allele origin: germline.
Comment: The p.N725Y variant (also known as c.2173A>T), located in coding exon 14 of the RINT1 gene, results from an A to T substitution at nucleotide position 2173. The asparagine at codon 725 is replaced by tyrosine, an amino acid with dissimilar properties. This amino acid position is conserved. In addition, the in silico prediction for this alteration is inconclusive. Since supporting evidence is limited at this time, the clinical significance of this alteration remains unclear.

NM_021930.6(RINT1):c.2173A>T (p.Asn725Tyr)

Genes: EFCAB10 (EF-hand calcium binding domain 10; minus strand), RINT1 (RAD50 interactor 1; plus strand). Cytogenetic location: 7q22.3.
Variant type: single nucleotide variant.
Coding change: c.2173A>T on transcript NM_021930.6 (MANE Select); coding-DNA position 2173, A replaced by T.
Protein change: p.Asn725Tyr; replaces asparagine 725 with tyrosine.
Molecular consequence: missense variant. On other transcripts: non-coding transcript variant (1), intron variant (3).
Genome position (GRCh38, 1-based): chr7:105,565,635, A>T. VCF-style: chr7-105565635-A-T. GRCh37 (hg19) VCF-style: chr7-105206082-A-T.
Other names: c.1939A>T, p.Asn647Tyr (NM_001346599.2); c.1150A>T, p.Asn384Tyr (NM_001346600.2, NM_001346603.2); c.1249A>T, p.Asn417Tyr (NM_001346601.2); c.360-188T>A (NM_001355531.2); c.384-188T>A (NM_001355526.2); c.384-20T>A (NM_001355530.2); short protein forms N384Y, N417Y, N647Y, N725Y.
Identifiers: ClinVar variation 3227636 (VCV003227636.1), dbSNP rs1016719477, ClinGen allele CA368815305.